The following is an entry in ClinVar:

ClinVar aggregate classification (germline): Uncertain significance (1 of 4 stars; one submission).

Submission:

Labcorp Genetics (formerly Invitae), Labcorp
Classification: Uncertain significance. Last evaluated: 2024-03-05. Review status: criteria provided, single submitter. Criteria: Invitae Variant Classification Sherloc (09022015). Collection method: clinical testing. Allele origin: germline.
Comment: This variant, c.119_154dup, results in the insertion of 12 amino acid(s) of the FBXO11 protein (p.Pro40_Gln51dup), but otherwise preserves the integrity of the reading frame. This variant is not present in population databases (gnomAD no frequency). This variant has not been reported in the literature in individuals affected with FBXO11-related conditions. In summary, the available evidence is currently insufficient to determine the role of this variant in disease. Therefore, it has been classified as a Variant of Uncertain Significance.

NM_001190274.2(FBXO11):c.119_154dup (p.Gln51_Gln52insProProGlnGlnGlnProProProProProGlnGln)

Genes: FBXO11 (F-box protein 11; minus strand), LOC100506235 (uncharacterized LOC100506235; plus strand). Cytogenetic location: 2p16.3.
Variant type: Duplication.
Coding change: c.119_154dup on transcript NM_001190274.2 (MANE Select); coding-DNA positions 119 to 154, 36 bases duplicated.
Protein change: p.Gln51_Gln52insProProGlnGlnGlnProProProProProGlnGln.
Molecular consequence: non-coding transcript variant (on NR_187636.1).
Genome position (GRCh38, 1-based): chr2:47,905,567-47,905,602, 36 bases duplicated; duplicating any 36 consecutive bases within chr2:47,905,567-47,905,610 gives the same sequence; the c. name uses the placement nearest the transcript's 3' end. GRCh37 (hg19): chr2:48,132,714-48,132,749.
Identifiers: ClinVar variation 3672677 (VCV003672677.2).
Genomic context (GRCh38, chr2:47,905,566, plus strand): 5'-TTCCGCTCCTGAGGCAGCGGCGGAGGCGGCGGTGGCGGCGGCGGAGGCTGCTGCTGCTGC[T>TGCTGCTGCGGCGGCGGCGGAGGCTGCTGCTGGGGCG]GCTGCTGCGGCGGCGGCGGAGGCTGCTGCTGGGGCGGCTGCTGCTGGGGCGGCTGCGGCG-3'